The following is an entry in ClinVar:

ClinVar aggregate classification (germline): Uncertain significance (1 of 4 stars; one submission).

Submission:

Labcorp Genetics (formerly Invitae), Labcorp
Classification: Uncertain significance. Last evaluated: 2024-11-05. Review status: criteria provided, single submitter. Criteria: Invitae Variant Classification Sherloc (09022015). Collection method: clinical testing. Allele origin: germline.
Comment: This sequence change replaces arginine, which is basic and polar, with proline, which is neutral and non-polar, at codon 524 of the CACNA1F protein (p.Arg524Pro). This variant is not present in population databases (gnomAD no frequency). This variant has not been reported in the literature in individuals affected with CACNA1F-related conditions. ClinVar contains an entry for this variant (Variation ID: 3002466). Invitae Evidence Modeling of protein sequence and biophysical properties (such as structural, functional, and spatial information, amino acid conservation, physicochemical variation, residue mobility, and thermodynamic stability) indicates that this missense variant is not expected to disrupt CACNA1F protein function with a negative predictive value of 80%. In summary, the available evidence is currently insufficient to determine the role of this variant in disease. Therefore, it has been classified as a Variant of Uncertain Significance.

NM_001256789.3(CACNA1F):c.1538G>C (p.Arg513Pro)

Gene: CACNA1F (calcium voltage-gated channel subunit alpha1 F; minus strand). Cytogenetic location: Xp11.23.
Variant type: single nucleotide variant.
Coding change: c.1538G>C on transcript NM_001256789.3 (MANE Select); coding-DNA position 1538, G replaced by C.
Protein change: p.Arg513Pro; replaces arginine 513 with proline.
Molecular consequence: missense variant.
Genome position (GRCh38, 1-based): chrX:49,226,022, C>G on the plus strand (G>C on the coding strand, the complement: CACNA1F is on the minus strand). VCF-style: chrX-49226022-C-G. GRCh37 (hg19) VCF-style: chrX-49082484-C-G.
Other names: c.1376G>C, p.Arg459Pro (NM_001256790.3); c.1571G>C, p.Arg524Pro (NM_005183.4); short protein forms R459P, R513P, R524P.
Identifiers: ClinVar variation 3002466 (VCV003002466.3), dbSNP rs782288797, ClinGen allele CA412916510.